The following is an entry in ClinVar:

NM_020320.5(RARS2):c.1439G>A (p.Gly480Glu)

Gene: RARS2 (arginyl-tRNA synthetase 2, mitochondrial; minus strand). Cytogenetic location: 6q15.
Variant type: single nucleotide variant.
Coding change: c.1439G>A on transcript NM_020320.5 (MANE Select); coding-DNA position 1439, G replaced by A.
Protein change: p.Gly480Glu; replaces glycine 480 with glutamic acid.
Molecular consequence: missense variant. On other transcripts: non-coding transcript variant (19).
Genome position (GRCh38, 1-based): chr6:87,518,241, C>T on the plus strand (G>A on the coding strand, the complement: RARS2 is on the minus strand). VCF-style: chr6-87518241-C-T. GRCh37 (hg19) VCF-style: chr6-88227959-C-T.
Other names: p.G480E:GGG>GAG; c.914G>A, p.Gly305Glu (NM_001318785.2, NM_001350506.2, NM_001350507.2 and 4 more transcripts); c.1439G>A, p.Gly480Glu (NM_001350505.2); short protein forms G480E, G305E.
Identifiers: ClinVar variation 215069 (VCV000215069.9), dbSNP rs760844669, ClinGen allele CA324732.

ClinVar aggregate classification (germline): Uncertain significance. Review status: criteria provided, multiple submitters, no conflicts (2 of 4 stars). 2 submissions from 2 submitters: Uncertain significance (2). Last evaluated 2025-03-22.

Conditions:
Inborn genetic diseases. Identifiers: MedGen C0950123, MeSH D030342.

gnomAD v4.1: 8 of 1,614,062 alleles (0.0005%); highest among the groups gnomAD compares: Non-Finnish European, 0.00068%; no homozygotes.

Submissions (2):

Ambry Genetics
Classification: Uncertain significance for Inborn genetic diseases. Last evaluated: 2025-03-22. Review status: criteria provided, single submitter. Criteria: Ambry Variant Classification Scheme 2023. Collection method: clinical testing. Allele origin: germline.

GeneDx
Classification: Uncertain significance. Last evaluated: 2014-04-23. Review status: criteria provided, single submitter. Criteria: GeneDx Variant Classification (06012015). Collection method: clinical testing. Allele origin: germline. Affected: yes.
Comment: p.Gly480Glu (GGG>GAG): c.1439 G>A in exon 17 of the RARS2 gene (NM_020320.3) A variant of unknown significance has been identified in the RARS2 gene. The G480E variant has not been published as a mutation, nor has it been reported as a benign polymorphism to our knowledge. The G480E variant is a non-conservative amino acid substitution, which is likely to impact secondary protein structure as these residues differ in polarity, charge, size and/or other properties. This substitution occurs at a position that is conserved across species. In silico analysis predicts this variant likely does not alter the protein structure/function. In-silico splice prediction models predict that the c.1439 G>A nucleotide substitution, responsible for the G480E missense change, may create a cryptic donor splice site. However, the true effect of c.1439 G>A on splicing in vivo is not known. Therefore, based on the currently available information, it is unclear whether this variant is a pathogenic mutation or a rare benign variant. The variant is found in MITONUC-MITOP panel(s).